The following is an entry in ClinVar:

NM_170784.3(MKKS):c.676C>G (p.Gln226Glu)

Gene: MKKS (MKKS centrosomal shuttling protein; minus strand). Cytogenetic location: 20p12.2.
Variant type: single nucleotide variant.
Coding change: c.676C>G on transcript NM_170784.3 (MANE Select); coding-DNA position 676, C replaced by G.
Protein change: p.Gln226Glu; replaces glutamine 226 with glutamic acid.
Molecular consequence: missense variant.
Genome position (GRCh38, 1-based): chr20:10,412,839, G>C on the plus strand (C>G on the coding strand, the complement: MKKS is on the minus strand). VCF-style: chr20-10412839-G-C. GRCh37 (hg19) VCF-style: chr20-10393487-G-C.
Other names: c.676C>G, p.Gln226Glu (NM_018848.3); short protein forms Q226E.
Identifiers: ClinVar variation 2202082 (VCV002202082.4), dbSNP rs2122234652, ClinGen allele CA408232585.

ClinVar aggregate classification (germline): Uncertain significance (1 of 4 stars; one submission).

Conditions:
Bardet-Biedl syndrome (BBS). Identifiers: Orphanet 110, MedGen C0752166, MONDO:0015229.
McKusick-Kaufman syndrome (MKKS). Also called: HYDROMETROCOLPOS SYNDROME; HYDROMETROCOLPOS, POSTAXIAL POLYDACTYLY, AND CONGENITAL HEART MALFORMATION. Identifiers: Orphanet 2473, MedGen C0948368, MONDO:0009367, OMIM 236700.

Submission:

Labcorp Genetics (formerly Invitae), Labcorp
Classification: Uncertain significance for McKusick-Kaufman syndrome; Bardet-Biedl syndrome. Last evaluated: 2022-04-01. Review status: criteria provided, single submitter. Criteria: Invitae Variant Classification Sherloc (09022015). Collection method: clinical testing. Allele origin: germline.
Comment: This sequence change replaces glutamine, which is neutral and polar, with glutamic acid, which is acidic and polar, at codon 226 of the MKKS protein (p.Gln226Glu). This variant is not present in population databases (gnomAD no frequency). This variant has not been reported in the literature in individuals affected with MKKS-related conditions. Algorithms developed to predict the effect of missense changes on protein structure and function are either unavailable or do not agree on the potential impact of this missense change (SIFT: "Deleterious"; PolyPhen-2: "Benign"; Align-GVGD: "Class C0"). In summary, the available evidence is currently insufficient to determine the role of this variant in disease. Therefore, it has been classified as a Variant of Uncertain Significance.